The following is an entry in ClinVar:

ClinVar aggregate classification (germline): Benign/Likely benign. Review status: criteria provided, multiple submitters, no conflicts (2 of 4 stars). 12 submissions from 12 submitters: Benign (8); Likely benign (1). 3 of the submissions do not count toward it. Last evaluated 2024-11-26.

Conditions:
Collagen 6-related myopathy. Identifiers: MedGen CN117976, MONDO:0100225.

Allele frequency attached by ClinVar (database versions not stated): 1000 Genomes Project 30x 0.21002; ESP Exome Variant Server 0.13824; gnomAD 0.14594 and 0.14829; TOPMed 0.15650; 1000 Genomes Project 0.20986.
gnomAD v4.1: 182,092 of 1,613,246 alleles (11%); highest among the groups gnomAD compares: African/African-American, 23%; 12,451 homozygotes.

Submissions (12):

Blueprint Genetics
Classification: Likely benign. Last evaluated: 2024-11-26. Review status: criteria provided, single submitter. Criteria: ACMG Guidelines, 2015. Collection method: clinical testing. Allele origin: germline.

Unidad de Genómica Garrahan, Hospital de Pediatría Garrahan
Classification: Benign. Last evaluated: 2024-07-31. Review status: criteria provided, single submitter. Criteria: ACMG Guidelines, 2015. Collection method: clinical testing. Allele origin: germline. Affected: no. Observed: 26 variant alleles.
Comment: This variant is classified as Benign based on local population frequency. This variant was detected in 28% of patients studied in a panel designed for Epileptic and Developmental Encephalopathy, Progressive Myoclonus Epilepsy and Abnormal Movements and Neurodegeneration with brain iron accumulation. Number of patients: 26. Only high quality variants are reported.

Illumina Laboratory Services, Illumina
Classification: Benign for Collagen VI-related myopathy. Last evaluated: 2018-01-13. Review status: criteria provided, single submitter. Criteria: ICSL Variant Classification Criteria 13 December 2019. Collection method: clinical testing. Allele origin: germline.
Comment: This variant was observed in the ICSL laboratory as part of a predisposition screen in an ostensibly healthy population. It had not been previously curated by ICSL or reported in the Human Gene Mutation Database (HGMD: prior to June 1st, 2018), and was therefore a candidate for classification through an automated scoring system. Utilizing variant allele frequency, disease prevalence and penetrance estimates, and inheritance mode, an automated score was calculated to assess if this variant is too frequent to cause the disease. Based on the score and internal cut-off values, a variant classified as benign is not then subjected to further curation. The score for this variant resulted in a classification of benign for this disease.

Mayo Clinic Laboratories, Mayo Clinic
Classification: Benign. Last evaluated: 2017-10-04. Review status: criteria provided, single submitter. Criteria: ACMG Guidelines, 2015. Collection method: clinical testing. Allele origin: germline. Observed: 177 variant alleles.

Eurofins Ntd Llc (ga)
Classification: Benign. Last evaluated: 2017-03-02. Review status: criteria provided, single submitter. Criteria: EGL Classification Definitions 2015. Collection method: clinical testing. Allele origin: germline. Observed: 23 variant alleles, 21 heterozygotes, 2 homozygotes.

GeneDx
Classification: Benign. Last evaluated: 2016-01-25. Review status: criteria provided, single submitter. Criteria: GeneDx Variant Classification (06012015). Collection method: clinical testing. Allele origin: germline. Affected: yes.
Comment: This variant is considered likely benign or benign based on one or more of the following criteria: it is a conservative change, it occurs at a poorly conserved position in the protein, it is predicted to be benign by multiple in silico algorithms, and/or has population frequency not consistent with disease.

Genetic Services Laboratory, University of Chicago
Classification: Benign for AllHighlyPenetrant. Last evaluated: 2013-08-15. Review status: criteria provided, single submitter. Criteria: ACMG Guidelines, 2007. Collection method: clinical testing. Allele origin: germline.

Breakthrough Genomics
Classification: Benign. Review status: criteria provided, single submitter. Criteria: ACMG Guidelines, 2015. Collection method: not provided. Allele origin: germline. Inheritance: Autosomal recessive inheritance. Affected: yes.

PreventionGenetics, part of Exact Sciences
Classification: Benign. Review status: criteria provided, single submitter. Criteria: ACMG Guidelines, 2015. Collection method: clinical testing. Allele origin: germline.

Clinical Genetics, Academic Medical Center
Classification: Benign. Review status: no assertion criteria provided. Collection method: clinical testing. Allele origin: germline. Affected: yes. Study: VKGL Data-share Consensus. Not counted in ClinVar's aggregate classification.

Diagnostic Laboratory, Department of Genetics, University Medical Center Groningen
Classification: Benign. Review status: no assertion criteria provided. Collection method: clinical testing. Allele origin: germline. Affected: yes. Study: VKGL Data-share Consensus. Not counted in ClinVar's aggregate classification.

Joint Genome Diagnostic Labs from Nijmegen and Maastricht, Radboudumc and MUMC+
Classification: Benign. Review status: no assertion criteria provided. Collection method: clinical testing. Allele origin: germline. Affected: yes. Study: VKGL Data-share Consensus. Not counted in ClinVar's aggregate classification.

NM_004369.4(COL6A3):c.*7G>C

Genes: COL6A3 (collagen type VI alpha 3 chain; minus strand), LOC126806573 (CDK7 strongly-dependent group 2 enhancer GRCh37_chr2:238233151-238234350; plus strand). Cytogenetic location: 2q37.3.
Variant type: single nucleotide variant.
Coding change: c.*7G>C on transcript NM_004369.4 (MANE Select); 7 bases downstream of the stop codon, G replaced by C.
Molecular consequence: 3 prime UTR variant.
Genome position (GRCh38, 1-based): chr2:237,324,767, C>G on the plus strand (G>C on the coding strand, the complement: COL6A3 is on the minus strand). VCF-style: chr2-237324767-C-G. GRCh37 (hg19) VCF-style: chr2-238233410-C-G.
Other names: c.*7G>C (NM_057166.5, NM_057167.4).
Identifiers: ClinVar variation 94900 (VCV000094900.25), dbSNP rs4663722, ClinGen allele CA147899.
Genomic context (GRCh38, chr2:237,324,767, plus strand): 5'-ACAGAGACAAGTTGGCGATGGCTGACTCCTTCTTCTTCAAGAGGTATATGATGTTGGCCA[C>G]CCACGCTTAGGTTCCCATCACACTGATGACTCCGGGTTTGGCGAGCACTGAGCGTCGAGA-3'